The following is an entry in ClinVar:

NM_182961.4(SYNE1):c.14263C>T (p.Leu4755Phe)

Gene: SYNE1 (spectrin repeat containing nuclear envelope protein 1; minus strand). Cytogenetic location: 6q25.2.
Variant type: single nucleotide variant.
Coding change: c.14263C>T on transcript NM_182961.4 (MANE Select); coding-DNA position 14263, C replaced by T.
Protein change: p.Leu4755Phe; replaces leucine 4755 with phenylalanine.
Molecular consequence: missense variant.
Genome position (GRCh38, 1-based): chr6:152,330,422, G>A on the plus strand (C>T on the coding strand, the complement: SYNE1 is on the minus strand). VCF-style: chr6-152330422-G-A. GRCh37 (hg19) VCF-style: chr6-152651557-G-A.
Other names: p.Leu4684Phe; c.14050C>T, p.Leu4684Phe (NM_033071.5); short protein forms L4684F, L4755F.
Identifiers: ClinVar variation 198671 (VCV000198671.70), dbSNP rs41301343, ClinGen allele CA247458.
Genomic context (GRCh38, chr6:152,330,422, plus strand): 5'-CTTCTAATAAGCTAACCCTCTGTTCTGTTTGTCGCTTCAGCCTGTGATATAAGGTGACAA[G>A]GTGCAGCATCTTGTCTGGCTGCCAAGGCTGACCTGTGCTGCGAAAACCTTCTTTTTTCTG-3'
Protein context (NP_892006.3, residues 4745-4765): QPWQPDKMLH[Leu4755Phe]VTLYHRLKRQ

ClinVar aggregate classification (germline): Conflicting classifications of pathogenicity. Review status: criteria provided, conflicting classifications (1 of 4 stars). 14 submissions from 13 submitters: Uncertain significance (5); Benign (2); Likely benign (6). 1 of the submissions does not count toward it. Last evaluated 2026-06-01.

Conditions:
Arthrogryposis multiplex congenita 3, myogenic type. Also called: ARTHROGRYPOSIS MULTIPLEX CONGENITA, MYOGENIC TYPE. Identifiers: MedGen C5193121, MONDO:0032778, OMIM 618484.
Autosomal recessive ataxia, Beauce type. Also called: SYNE1-Related Autosomal Recessive Cerebellar Ataxia; ATAXIA, RECESSIVE, OF BEAUCE; SYNE1 Deficiency; Spinocerebellar ataxia, autosomal recessive 8. Identifiers: Orphanet 88644, MedGen C1853116, MONDO:0012549, OMIM 610743.
Emery-Dreifuss muscular dystrophy 4, autosomal dominant (EDMD4). Also called: EMERY-DREIFUSS MUSCULAR DYSTROPHY 4 WITH VARIABLE FEATURES. Identifiers: Orphanet 261, MedGen C2751807, MONDO:0013071, OMIM 612998.
SYNE1-related disorder. Also called: SYNE1-related disorders; SYNE1-related disease; SYNE1-related condition.

Allele frequency attached by ClinVar (database versions not stated): 1000 Genomes Project 0.00040; 1000 Genomes Project 30x 0.00062; gnomAD exomes 0.00091 and 0.00124; TOPMed 0.00093; gnomAD 0.00097 and 0.00100; ExAC 0.00101; ESP Exome Variant Server 0.00138.
gnomAD v4.1: 1,958 of 1,614,124 alleles (0.12%); highest among the groups gnomAD compares: Non-Finnish European, 0.15%; 5 homozygotes.

Submissions (14):

CeGaT Center for Human Genetics Tuebingen
Classification: Likely benign. Last evaluated: 2026-06-01. Review status: criteria provided, single submitter. Criteria: CeGaT Center For Human Genetics Tuebingen Variant Classification Criteria Version 2. Collection method: clinical testing. Allele origin: germline. Affected: yes. Observed: 21 variant alleles.
Comment: SYNE1: BP4, BS2

Revvity Omics, Revvity
Classification: Uncertain significance. Last evaluated: 2025-06-27. Review status: criteria provided, single submitter. Criteria: ACMG Guidelines, 2015. Collection method: clinical testing. Allele origin: germline.

Mayo Clinic Laboratories, Mayo Clinic
Classification: Likely benign. Last evaluated: 2025-03-11. Review status: criteria provided, single submitter. Criteria: ACMG Guidelines, 2015. Collection method: clinical testing. Allele origin: germline. Observed: 4 variant alleles.
Comment: BS1, BP4

Blueprint Genetics
Classification: Likely benign. Last evaluated: 2024-11-21. Review status: criteria provided, single submitter. Criteria: ACMG Guidelines, 2015. Collection method: clinical testing. Allele origin: germline.

Athena Diagnostics
Classification: Benign. Last evaluated: 2024-08-05. Review status: criteria provided, single submitter. Criteria: Athena Diagnostics Criteria. Collection method: clinical testing. Allele origin: unknown.

Fulgent Genetics
Classification: Likely benign for Autosomal recessive ataxia, Beauce type; Emery-Dreifuss muscular dystrophy 4, autosomal dominant; Arthrogryposis multiplex congenita 3, myogenic type. Last evaluated: 2024-05-09. Review status: criteria provided, single submitter. Criteria: ACMG Guidelines, 2015. Collection method: clinical testing. Allele origin: germline.

Labcorp Genetics (formerly Invitae), Labcorp
Classification: Uncertain significance for Emery-Dreifuss muscular dystrophy 4, autosomal dominant; Autosomal recessive ataxia, Beauce type. Last evaluated: 2022-11-01. Review status: criteria provided, single submitter. Criteria: Invitae Variant Classification Sherloc (09022015). Collection method: clinical testing. Allele origin: germline.
Comment: This sequence change replaces leucine, which is neutral and non-polar, with phenylalanine, which is neutral and non-polar, at codon 4684 of the SYNE1 protein (p.Leu4684Phe). This variant is present in population databases (rs41301343, gnomAD 0.2%), and has an allele count higher than expected for a pathogenic variant. This missense change has been observed in individual(s) with clinical features of ataxia (PMID: 31692161). ClinVar contains an entry for this variant (Variation ID: 198671). Algorithms developed to predict the effect of missense changes on protein structure and function are either unavailable or do not agree on the potential impact of this missense change (SIFT: "Deleterious"; PolyPhen-2: "Probably Damaging"; Align-GVGD: "Class C0"). In summary, the available evidence is currently insufficient to determine the role of this variant in disease. Therefore, it has been classified as a Variant of Uncertain Significance.

GeneDx
Classification: Likely benign. Last evaluated: 2020-10-29. Review status: criteria provided, single submitter. Criteria: GeneDx Variant Classification Process June 2021. Collection method: clinical testing. Allele origin: germline. Affected: yes.
Comment: This variant is associated with the following publications: (PMID: 24892279, 31692161)

Genomic Research Center, Shahid Beheshti University of Medical Sciences
Classification: Uncertain significance for Spinocerebellar ataxia, autosomal recessive 8. Last evaluated: 2018-08-07. Review status: criteria provided, single submitter. Criteria: ACMG Guidelines, 2015. Collection method: clinical testing. Allele origin: unknown. Affected: yes. Observed: 2 variant alleles.

Genetic Services Laboratory, University of Chicago
Classification: Uncertain significance. Last evaluated: 2018-07-11. Review status: criteria provided, single submitter. Criteria: ACMG Guidelines, 2015. Collection method: clinical testing. Allele origin: germline. Affected: no.

Illumina Laboratory Services, Illumina
Classification: Uncertain significance for Autosomal recessive ataxia, Beauce type. Last evaluated: 2018-01-12. Review status: criteria provided, single submitter. Criteria: ICSL Variant Classification Criteria 13 December 2019. Collection method: clinical testing. Allele origin: germline.

Illumina Laboratory Services, Illumina
Classification: Benign for Emery-Dreifuss muscular dystrophy 4, autosomal dominant. Last evaluated: 2018-01-12. Review status: criteria provided, single submitter. Criteria: ICSL Variant Classification Criteria 13 December 2019. Collection method: clinical testing. Allele origin: germline.
Comment: This variant was observed in the ICSL laboratory as part of a predisposition screen in an ostensibly healthy population. It had not been previously curated by ICSL or reported in the Human Gene Mutation Database (HGMD: prior to June 1st, 2018), and was therefore a candidate for classification through an automated scoring system. Utilizing variant allele frequency, disease prevalence and penetrance estimates, and inheritance mode, an automated score was calculated to assess if this variant is too frequent to cause the disease. Based on the score and internal cut-off values, a variant classified as benign is not then subjected to further curation. The score for this variant resulted in a classification of benign for this disease.

Eurofins Ntd Llc (ga)
Classification: Likely benign. Last evaluated: 2017-04-14. Review status: criteria provided, single submitter. Criteria: EGL Classification Definitions 2015. Collection method: clinical testing. Allele origin: germline. Observed: 24 variant alleles, 24 heterozygotes.

PreventionGenetics, part of Exact Sciences
Classification: Likely benign for SYNE1-related condition. Last evaluated: 2023-05-05. Review status: no assertion criteria provided. Collection method: clinical testing. Allele origin: germline. Not counted in ClinVar's aggregate classification.
Comment: This variant is classified as likely benign based on ACMG/AMP sequence variant interpretation guidelines (Richards et al. 2015 PMID: 25741868, with internal and published modifications).

Literature cited by the submitters: PubMed 31692161 (cited by 3 submitters); PubMed 35588347 (cited by Athena Diagnostics); PubMed 38716726 (cited by Athena Diagnostics); PubMed 37926714 (cited by Athena Diagnostics); PubMed 21572417 (cited by Athena Diagnostics); PubMed 29590070 (cited by Athena Diagnostics); PubMed 24892279 (cited by Athena Diagnostics).